The following is an entry in ClinVar:

ClinVar aggregate classification (germline): Uncertain significance (1 of 4 stars; one submission).

gnomAD v4.1: 26 of 1,614,000 alleles (0.0016%); highest among the groups gnomAD compares: Non-Finnish European, 0.002%; no homozygotes.

Submission:

Labcorp Genetics (formerly Invitae), Labcorp
Classification: Uncertain significance. Last evaluated: 2025-11-03. Review status: criteria provided, single submitter. Criteria: Invitae Variant Classification Sherloc (09022015). Collection method: clinical testing. Allele origin: germline.
Comment: This sequence change falls in intron 9 of the SPECC1L gene. It does not directly change the encoded amino acid sequence of the SPECC1L protein. It affects a nucleotide within the consensus splice site. This variant is present in population databases (rs201962839, gnomAD 0.003%). This variant has not been reported in the literature in individuals affected with SPECC1L-related conditions. Variants that disrupt the consensus splice site are a relatively common cause of aberrant splicing (PMID: 17576681, 9536098). Algorithms developed to predict the effect of sequence changes on RNA splicing suggest that this variant is not likely to affect RNA splicing. In summary, the available evidence is currently insufficient to determine the role of this variant in disease. Therefore, it has been classified as a Variant of Uncertain Significance.

Literature cited by the submitters: PubMed 17576681; PubMed 9536098.

NM_015330.6(SPECC1L):c.2560+4A>G

Genes: SPECC1L (sperm antigen with calponin homology and coiled-coil domains 1 like; plus strand), SPECC1L-ADORA2A (SPECC1L-ADORA2A readthrough (NMD candidate); plus strand). Cytogenetic location: 22q11.23.
Variant type: single nucleotide variant.
Coding change: c.2560+4A>G on transcript NM_015330.6 (MANE Select); 4 bases into the intron after coding-DNA position 2560, A replaced by G.
Molecular consequence: intron variant.
Genome position (GRCh38, 1-based): chr22:24,334,577, A>G. VCF-style: chr22-24334577-A-G. GRCh37 (hg19) VCF-style: chr22-24730545-A-G.
Other names: c.2560+4A>G (NM_001145468.4, NM_001254732.3).
Identifiers: ClinVar variation 4797124 (VCV004797124.1).